The following is an entry in ClinVar:

NM_004415.4(DSP):c.2631= (p.Arg877=)

Gene: DSP (desmoplakin; plus strand). Cytogenetic location: 6p24.3.
Variant type: single nucleotide variant.
Coding change: c.2631= on transcript NM_004415.4 (MANE Select); coding-DNA position 2631, no change from the reference sequence.
Protein change: p.Arg877=; no amino-acid change (arginine 877 retained).
Molecular consequence: no sequence alteration.
Genome position: GRCh38 VCF-style: chr6-7576294-G-G. GRCh37 (hg19) VCF-style: chr6-7576527-G-G.
Other names: c.2631=, p.Arg877= (NM_001008844.3, NM_001319034.2).
Identifiers: ClinVar variation 177771 (VCV000177771.4), dbSNP rs1016835.

ClinVar aggregate classification (germline): Benign (1 of 4 stars; one submission).

Allele frequency attached by ClinVar (database versions not stated): gnomAD exomes 0.21426 and 0.22546; ExAC 0.22821; TOPMed 0.24875; gnomAD 0.25180 and 0.25397; ESP Exome Variant Server 0.25188; 1000 Genomes Project 0.26458; 1000 Genomes Project 30x 0.26796.

Submission:

Laboratory for Molecular Medicine, Mass General Brigham Personalized Medicine
Classification: Benign. Last evaluated: 2010-07-23. Review status: criteria provided, single submitter. Criteria: LMM Criteria. Collection method: clinical testing. Allele origin: germline. Observed: 112 variant alleles.
Comment: Arg877Arg in exon 19 of the DSP gene: This variant changes the first base of the exon, which is part of the splicing consensus and therefore potentially causes abnormal splicing. However, due to the variant's high frequency in the general p opulation (MAF=22.5%; dbSNP ID= rs1016835) we believe that it is more likely ben ign.